The following is an entry in ClinVar:

NM_003105.6(SORL1):c.3813C>T (p.Cys1271=)

Gene: SORL1 (sortilin related receptor 1; plus strand). Cytogenetic location: 11q24.1.
Variant type: single nucleotide variant.
Coding change: c.3813C>T on transcript NM_003105.6 (MANE Select); coding-DNA position 3813, C replaced by T.
Protein change: p.Cys1271=; no amino-acid change (cysteine 1271 retained).
Molecular consequence: synonymous variant.
Genome position (GRCh38, 1-based): chr11:121,586,328, C>T. VCF-style: chr11-121586328-C-T. GRCh37 (hg19) VCF-style: chr11-121457037-C-T.
Other names: c.3813C>T (NM_003105.5).
Identifiers: ClinVar variation 1500250 (VCV001500250.8), dbSNP rs540304639, ClinGen allele CA6329406.

ClinVar aggregate classification (germline): Conflicting classifications of pathogenicity. Review status: criteria provided, conflicting classifications (1 of 4 stars). 3 submissions from 3 submitters: Uncertain significance (2); Likely benign (1). Last evaluated 2026-05-05.

Conditions:
SORL1-related disorder. Also called: SORL1-related condition.

Allele frequency attached by ClinVar (database versions not stated): gnomAD 0.00002; TOPMed 0.00002; ExAC 0.00004; gnomAD exomes 0.00004.
gnomAD v4.1: 61 of 1,609,468 alleles (0.0038%); highest among the groups gnomAD compares: Middle Eastern, 0.033%; no homozygotes.

Submissions (3):

PreventionGenetics, part of Exact Sciences
Classification: Likely benign for SORL1-related condition. Last evaluated: 2026-05-05. Review status: criteria provided, single submitter. Criteria: ACMG Guidelines, 2015. Collection method: clinical testing. Allele origin: germline.
Comment: This variant is classified as likely benign based on ACMG/AMP sequence variant interpretation guidelines (Richards et al. 2015 PMID: 25741868, with internal and published modifications).

Labcorp Genetics (formerly Invitae), Labcorp
Classification: Uncertain significance. Last evaluated: 2024-06-03. Review status: criteria provided, single submitter. Criteria: Invitae Variant Classification Sherloc (09022015). Collection method: clinical testing. Allele origin: germline.
Comment: This sequence change affects codon 1271 of the SORL1 mRNA. It is a 'silent' change, meaning that it does not change the encoded amino acid sequence of the SORL1 protein. It affects a nucleotide within the consensus splice site. This variant is present in population databases (rs540304639, gnomAD 0.02%). This variant has not been reported in the literature in individuals affected with SORL1-related conditions. ClinVar contains an entry for this variant (Variation ID: 1500250). Algorithms developed to predict the effect of sequence changes on RNA splicing suggest that this variant is not likely to affect RNA splicing. In summary, the available evidence is currently insufficient to determine the role of this variant in disease. Therefore, it has been classified as a Variant of Uncertain Significance.

Breakthrough Genomics
Classification: Uncertain significance. Review status: criteria provided, single submitter. Criteria: ACMG Guidelines, 2015. Collection method: not provided. Allele origin: germline. Inheritance: Unknown mechanism. Affected: yes.